The following is an entry in ClinVar:

NM_015041.3(CLUAP1):c.236T>G (p.Ile79Arg)

Gene: CLUAP1 (clusterin associated protein 1; plus strand). Cytogenetic location: 16p13.3.
Variant type: single nucleotide variant.
Coding change: c.236T>G on transcript NM_015041.3 (MANE Select); coding-DNA position 236, T replaced by G.
Protein change: p.Ile79Arg; replaces isoleucine 79 with arginine.
Molecular consequence: missense variant.
Genome position (GRCh38, 1-based): chr16:3,508,305, T>G. VCF-style: chr16-3508305-T-G. GRCh37 (hg19) VCF-style: chr16-3558305-T-G.
Other names: c.236T>G, p.Ile79Arg (NM_001330454.2); short protein forms I79R.
Identifiers: ClinVar variation 1045494 (VCV001045494.9), dbSNP rs2037547702, ClinGen allele CA394512163.
Genomic context (GRCh38, chr16:3,508,305, plus strand): 5'-ATGGAAAGGGCCTTCAACTTTTTTTTTTTTTGGTCTAAAAATAGGCCACCAAGGCACATA[T>G]AAAACTCAACACTAAGAAGCTTTATCAAGCAGATGGGTATGCGGTAAAAGAGCTGCTGAA-3'
Protein context (NP_055856.1, residues 69-89): IAQFMATKAH[Ile79Arg]KLNTKKLYQA

ClinVar aggregate classification (germline): Uncertain significance (1 of 4 stars; one submission).

Allele frequency attached by ClinVar (database versions not stated): gnomAD exomes below 0.00001; TOPMed below 0.00001; gnomAD 0.00001.
gnomAD v4.1: 3 of 1,600,174 alleles (0.00019%); highest among the groups gnomAD compares: Non-Finnish European, 0.00025%; no homozygotes.

Submission:

Labcorp Genetics (formerly Invitae), Labcorp
Classification: Uncertain significance. Last evaluated: 2024-02-16. Review status: criteria provided, single submitter. Criteria: Invitae Variant Classification Sherloc (09022015). Collection method: clinical testing. Allele origin: germline.
Comment: This sequence change replaces isoleucine, which is neutral and non-polar, with arginine, which is basic and polar, at codon 79 of the CLUAP1 protein (p.Ile79Arg). This variant is not present in population databases (gnomAD no frequency). This variant has not been reported in the literature in individuals affected with CLUAP1-related conditions. ClinVar contains an entry for this variant (Variation ID: 1045494). Advanced modeling of protein sequence and biophysical properties (such as structural, functional, and spatial information, amino acid conservation, physicochemical variation, residue mobility, and thermodynamic stability) performed at Invitae indicates that this missense variant is expected to disrupt CLUAP1 protein function with a positive predictive value of 80%. In summary, the available evidence is currently insufficient to determine the role of this variant in disease. Therefore, it has been classified as a Variant of Uncertain Significance.